The following is an entry in ClinVar:

NM_000088.4(COL1A1):c.1042G>A (p.Ala348Thr)

Gene: COL1A1 (collagen type I alpha 1 chain; minus strand). Cytogenetic location: 17q21.33.
Variant type: single nucleotide variant.
Coding change: c.1042G>A on transcript NM_000088.4 (MANE Select); coding-DNA position 1042, G replaced by A.
Protein change: p.Ala348Thr; replaces alanine 348 with threonine.
Molecular consequence: missense variant.
Genome position (GRCh38, 1-based): chr17:50,195,937, C>T on the plus strand (G>A on the coding strand, the complement: COL1A1 is on the minus strand). VCF-style: chr17-50195937-C-T. GRCh37 (hg19) VCF-style: chr17-48273298-C-T.
Other names: short protein forms A348T.
Identifiers: ClinVar variation 35897 (VCV000035897.50), dbSNP rs139955975, ClinGen allele CA260267.

ClinVar aggregate classification (germline): Conflicting classifications of pathogenicity. Review status: criteria provided, conflicting classifications (1 of 4 stars). 16 submissions from 13 submitters: Uncertain significance (12); Likely benign (3). 1 of the submissions does not count toward it. Last evaluated 2026-07-09.

Conditions:
COL1A1-related disorder. Also called: COL1A1-related condition; COL1A1- related disease.
Cardiovascular phenotype. Identifiers: MedGen CN230736.
Ehlers-Danlos syndrome (EDS). Identifiers: Orphanet 98249, MedGen C0013720, MONDO:0020066.
Ehlers-Danlos syndrome, arthrochalasia type. Also called: Ehlers-Danlos syndrome, arthrochalasis type; Ehlers-Danlos syndrome, arthrochalasia type, 1; ARTHROCHALASIS MULTIPLEX CONGENITA; EDS VII, MUTANT PROCOLLAGEN TYPE; EDS VIIA. Identifiers: Orphanet 1899, Orphanet 99875, Orphanet 99876, MedGen C4551623, MONDO:0007525, OMIM 130060.
Familial thoracic aortic aneurysm and aortic dissection (TAAD). Also called: Thoracic aortic aneurysms and dissections. Identifiers: Orphanet 91387, MedGen C4707243, MONDO:0019625.
Infantile cortical hyperostosis. Also called: Caffey Disease; P1PK BLOOD GROUP SYSTEM, P(2) PHENOTYPE; Hyperostosis, Cortical, Congenital. Identifiers: Orphanet 1310, MedGen C0020497, MONDO:0007244, OMIM 114000.
Osteogenesis imperfecta (OI). Identifiers: Orphanet 666, MedGen C0029434, MeSH D010013, MONDO:0019019.
Osteogenesis imperfecta type I (OI1). Also called: Lobstein disease; Lobstein's Disease; OI, TYPE I; OSTEOGENESIS IMPERFECTA TARDA; OSTEOGENESIS IMPERFECTA WITH BLUE SCLERAE; Osteogenesis imperfecta type 1. Identifiers: Orphanet 216796, Orphanet 666, MedGen C0023931, MONDO:0008146, OMIM 166200. Disease mechanism: loss of function.

Allele frequency attached by ClinVar (database versions not stated): gnomAD exomes 0.00013 and 0.00046; gnomAD 0.00021 and 0.00023; TOPMed 0.00022; ExAC 0.00027; ESP Exome Variant Server 0.00039.
gnomAD v4.1: 716 of 1,588,628 alleles (0.045%); highest among the groups gnomAD compares: Non-Finnish European, 0.056%; no homozygotes.

Submissions (16):

PreventionGenetics, part of Exact Sciences
Classification: Uncertain significance for COL1A1-related condition. Last evaluated: 2026-07-09. Review status: criteria provided, single submitter. Criteria: ACMG Guidelines, 2015. Collection method: clinical testing. Allele origin: germline.
Comment: The COL1A1 c.1042G>A variant is predicted to result in the amino acid substitution p.Ala348Thr. This variant was previously reported in a cohort of individuals with aneurysm or dissection of the thoracic aorta (Weerakkody et al. 2018. PubMed ID: 29543232). This variant is reported in 0.028% of alleles in individuals of European (Non-Finnish) descent in gnomAD. However, at this time, the clinical significance of this variant is uncertain due to the absence of conclusive functional and genetic evidence.

Women's Health and Genetics/Laboratory Corporation of America, LabCorp
Classification: Likely benign. Last evaluated: 2026-02-13. Review status: criteria provided, single submitter. Criteria: LabCorp Variant Classification Summary - May 2015. Collection method: clinical testing. Allele origin: germline.
Comment: Variant summary: COL1A1 c.1042G>A (p.Ala348Thr) results in a non-conservative amino acid change located in the Collagen triple helix repeat region of the encoded protein sequence. Algorithms developed to predict the effect of missense changes on protein structure and function all suggest that this variant is likely to be disruptive. The variant allele was found at a frequency of 0.00013 in 209234 control chromosomes (gnomAD). The observed variant frequency exceeds the estimated maximal expected allele frequency for disease-causing variants in COL1A1. c.1042G>A has been observed in 2 individuals from a cohort of patients with thoracic aortic aneurysm/aortic dissection (Weerakkody_2018), however neither of them had a positive family history. In addition, one of these individuals also carried a co-occurring pathogenic variant in another gene which could explain the phenotype (FBN1 c.2581C>T, p.Arg861Ter), providing supporting evidence for a benign role of the variant of interest. To our knowledge, no experimental evidence demonstrating an impact on protein function has been reported. The following publication have been ascertained in the context of this evaluation (PMID: 2954332). ClinVar contains an entry for this variant (Variation ID: 35897). Based on the evidence outlined above, the variant was classified as likely benign.

Labcorp Genetics (formerly Invitae), Labcorp
Classification: Likely benign for Osteogenesis imperfecta type I. Last evaluated: 2026-01-27. Review status: criteria provided, single submitter. Criteria: Invitae Variant Classification Sherloc (09022015). Collection method: clinical testing. Allele origin: germline.

Ambry Genetics
Classification: Uncertain significance for Cardiovascular phenotype. Last evaluated: 2025-12-21. Review status: criteria provided, single submitter. Criteria: Ambry Variant Classification Scheme 2023. Collection method: clinical testing. Allele origin: germline.
Comment: The p.A348T variant (also known as c.1042G>A), located in coding exon 16 of the COL1A1 gene, results from a G to A substitution at nucleotide position 1042. The alanine at codon 348 is replaced by threonine, an amino acid with similar properties. This variant was reported in two individuals with thoracic aortic aneurysm or dissection (Weerakkody R et al. Genet. Med., 2018 11;20:1414-1422). This alteration has also been noted in a biobank cohort (Wright CF et al. Am J Hum Genet, 2019 Feb;104:275-286). This amino acid position is well conserved in available vertebrate species. In addition, the in silico prediction for this alteration is inconclusive. Since supporting evidence is limited at this time, the clinical significance of this alteration remains unclear.

Mayo Clinic Laboratories, Mayo Clinic
Classification: Uncertain significance. Last evaluated: 2025-11-06. Review status: criteria provided, single submitter. Criteria: ACMG Guidelines, 2015. Collection method: clinical testing. Allele origin: germline. Observed: 7 variant alleles.
Comment: BS1, PP2

GeneDx
Classification: Uncertain significance. Last evaluated: 2025-03-27. Review status: criteria provided, single submitter. Criteria: GeneDx Variant Classification Process June 2021. Collection method: clinical testing. Allele origin: germline. Affected: yes.
Comment: Identified in two patients with thoracic aortic aneurysm and dissection (TAAD) in published literature, however, one individual also harbored a pathogenic variant in the FBN1 gene (PMID: 29543232); Occurs in the triple helical domain at the X position in the canonical Gly-X-Y repeat; although this variant may have an effect on normal protein folding and function, missense substitution at the X position is not a common mechanism of disease (HGMD); In silico analysis indicates that this missense variant does not alter protein structure/function; This variant is associated with the following publications: (PMID: 29543232)

Blueprint Genetics
Classification: Likely benign. Last evaluated: 2024-10-09. Review status: criteria provided, single submitter. Criteria: ACMG Guidelines, 2015. Collection method: clinical testing. Allele origin: germline.

ARUP Laboratories, Molecular Genetics and Genomics, ARUP Laboratories
Classification: Uncertain significance. Last evaluated: 2023-10-09. Review status: criteria provided, single submitter. Criteria: ARUP Molecular Germline Variant Investigation Process 2024. Collection method: clinical testing. Allele origin: germline.
Comment: The COL1A1 c.1042G>A; p.Ala348Thr variant (rs139955975) is reported in the literature in two individuals affected with thoracic aortic aneurysm or dissection (Weerakkody 2018). This variant is reported in ClinVar (Variation ID: 35897) and is found in the non-Finnish European population with an allele frequency of 0.028% (30/107,172 alleles) in the Genome Aggregation Database. Computational analyses are uncertain whether this variant is neutral or deleterious (REVEL: 0.329). While this variant occurs in the Gly-X-Y triple helix repeat domain, it does not alter a conserved glycine reside like the majority of disease-causing missense variants (Amor Ben 2011). Due to limited information, the clinical significance of this variant is uncertain at this time. References: Ben Amor I et al. Genotype-phenotype correlations in autosomal dominant osteogenesis imperfecta. J Osteoporos. 2011; 2011:540178. PMID: 21912751 Weerakkody R et al. Targeted genetic analysis in a large cohort of familial and sporadic cases of aneurysm or dissection of the thoracic aorta. Genet Med. 2018 Nov;20(11):1414-1422. PMID: 29543232.

Johns Hopkins Genomics, Johns Hopkins University
Classification: Uncertain significance for Osteogenesis imperfecta type I. Last evaluated: 2020-07-22. Review status: criteria provided, single submitter. Criteria: ACMG Guidelines, 2015. Collection method: clinical testing. Allele origin: germline.
Comment: This COL1A1 variant (rs139955975) is rare (<0.1%) in a large population dataset (gnomAD: 33/240566 total alleles; 0.01%; no homozygotes), and has been reported in ClinVar. Three bioinformatic tools queried predict that this substitution would be tolerated, and the alanine residue at this position is evolutionarily conserved across mammals. We consider the clinical significance of c.1042G>A to be uncertain at this time.

Genome Diagnostics Laboratory, The Hospital for Sick Children
Classification: Uncertain significance for Osteogenesis imperfecta. Last evaluated: 2020-03-01. Review status: criteria provided, single submitter. Criteria: ACMG Guidelines, 2015. Collection method: clinical testing. Allele origin: germline.

Genome Diagnostics Laboratory, The Hospital for Sick Children
Classification: Uncertain significance for Ehlers-Danlos syndrome. Last evaluated: 2020-03-01. Review status: criteria provided, single submitter. Criteria: ACMG Guidelines, 2015. Collection method: clinical testing. Allele origin: germline.

Eurofins Ntd Llc (ga)
Classification: Uncertain significance. Last evaluated: 2017-10-02. Review status: criteria provided, single submitter. Criteria: EGL Classification Definitions 2015. Collection method: clinical testing. Allele origin: germline. Observed: 1 variant allele, 1 heterozygote.

Illumina Laboratory Services, Illumina
Classification: Uncertain significance for Infantile cortical hyperostosis. Last evaluated: 2017-04-27. Review status: criteria provided, single submitter. Criteria: ICSL Variant Classification Criteria 13 December 2019. Collection method: clinical testing. Allele origin: germline.

Illumina Laboratory Services, Illumina
Classification: Uncertain significance for Ehlers-Danlos syndrome, arthrochalasia type. Last evaluated: 2017-04-27. Review status: criteria provided, single submitter. Criteria: ICSL Variant Classification Criteria 13 December 2019. Collection method: clinical testing. Allele origin: germline.

Illumina Laboratory Services, Illumina
Classification: Uncertain significance for Osteogenesis imperfecta. Last evaluated: 2017-04-27. Review status: criteria provided, single submitter. Criteria: ICSL Variant Classification Criteria 13 December 2019. Collection method: clinical testing. Allele origin: germline.

Centre for Genomic and Experimental Medicine, University of Edinburgh
Classification: Likely pathogenic for Familial thoracic aortic aneurysm and aortic dissection. Review status: no assertion criteria provided. Collection method: research. Allele origin: unknown. Affected: yes. Not counted in ClinVar's aggregate classification.

Literature cited by the submitters: PubMed 2954332 (cited by Women's Health and Genetics/Laboratory Corporation of America, LabCorp); PubMed 29543232 (cited by 3 submitters); PubMed 30665703 (cited by Ambry Genetics).